The following is an entry in ClinVar:

ClinVar aggregate classification (germline): Uncertain significance (1 of 4 stars; one submission).

Conditions:
Deficiency of ferroxidase (ACEP). Also called: Aceruloplasminemia; Deficiency of ceruloplasmin; NEURODEGENERATION WITH BRAIN IRON ACCUMULATION 10; Ceruloplasmin deficiency; Familial apoceruloplasmin deficiency; Hereditary ceruloplasmin deficiency. Identifiers: Orphanet 48818, MedGen C0878682, MONDO:0011426, OMIM 604290, HP:0025498.

gnomAD v4.1: 3 of 1,613,944 alleles (0.00019%); highest among the groups gnomAD compares: Non-Finnish European, 0.00025%; no homozygotes.

Submission:

Labcorp Genetics (formerly Invitae), Labcorp
Classification: Uncertain significance for Deficiency of ferroxidase. Last evaluated: 2025-02-12. Review status: criteria provided, single submitter. Criteria: Invitae Variant Classification Sherloc (09022015). Collection method: clinical testing. Allele origin: germline.
Comment: This sequence change replaces alanine, which is neutral and non-polar, with valine, which is neutral and non-polar, at codon 324 of the CP protein (p.Ala324Val). This variant is not present in population databases (gnomAD no frequency). This variant has not been reported in the literature in individuals affected with CP-related conditions. Invitae Evidence Modeling of protein sequence and biophysical properties (such as structural, functional, and spatial information, amino acid conservation, physicochemical variation, residue mobility, and thermodynamic stability) indicates that this missense variant is not expected to disrupt CP protein function with a negative predictive value of 80%. In summary, the available evidence is currently insufficient to determine the role of this variant in disease. Therefore, it has been classified as a Variant of Uncertain Significance.

NM_000096.4(CP):c.971C>T (p.Ala324Val)

Gene: CP (ceruloplasmin; minus strand). Cytogenetic location: 3q25.1.
Variant type: single nucleotide variant.
Coding change: c.971C>T on transcript NM_000096.4 (MANE Select); coding-DNA position 971, C replaced by T.
Protein change: p.Ala324Val; replaces alanine 324 with valine.
Molecular consequence: missense variant. On other transcripts: non-coding transcript variant (1).
Genome position (GRCh38, 1-based): chr3:149,207,428, G>A on the plus strand (C>T on the coding strand, the complement: CP is on the minus strand). VCF-style: chr3-149207428-G-A. GRCh37 (hg19) VCF-style: chr3-148925215-G-A.
Other names: short protein forms A324V.
Identifiers: ClinVar variation 4743601 (VCV004743601.1).